The following is an entry in ClinVar:

ClinVar aggregate classification (germline): Uncertain significance (1 of 4 stars; one submission).

Conditions:
Familial sleep-related hypermotor epilepsy. Also called: Autosomal Dominant Sleep-Related Hypermotor (Hyperkinetic) Epilepsy. Identifiers: Orphanet 98784, MedGen C3696898, MONDO:0000030.
Autosomal dominant nocturnal frontal lobe epilepsy 4. Also called: EPILEPSY, FAMILIAL, WITH NOCTURNAL WANDERING AND ICTAL FEAR; CHRNA2-Related Nocturnal Frontal Lobe Epilepsy, Autosomal Dominant. Identifiers: Orphanet 98784, MedGen C1835905, MONDO:0012474, OMIM 610353.

Allele frequency attached by ClinVar (database versions not stated): gnomAD 0.00003; gnomAD exomes below 0.00001 and 0.00002; ExAC 0.00001; TOPMed 0.00002; ESP Exome Variant Server 0.00008.

Submission:

Labcorp Genetics (formerly Invitae), Labcorp
Classification: Uncertain significance. Last evaluated: 2025-06-10. Review status: criteria provided, single submitter. Criteria: Invitae Variant Classification Sherloc (09022015). Collection method: clinical testing. Allele origin: germline.
Comment: This sequence change replaces glutamic acid, which is acidic and polar, with lysine, which is basic and polar, at codon 295 of the CHRNA2 protein (p.Glu295Lys). This variant is present in population databases (rs139727115, gnomAD 0.02%). This variant has not been reported in the literature in individuals affected with CHRNA2-related conditions. ClinVar contains an entry for this variant (Variation ID: 840293). Invitae Evidence Modeling of protein sequence and biophysical properties (such as structural, functional, and spatial information, amino acid conservation, physicochemical variation, residue mobility, and thermodynamic stability) indicates that this missense variant is expected to disrupt CHRNA2 protein function with a positive predictive value of 80%. In summary, the available evidence is currently insufficient to determine the role of this variant in disease. Therefore, it has been classified as a Variant of Uncertain Significance.

NM_000742.4(CHRNA2):c.883G>A (p.Glu295Lys)

Gene: CHRNA2 (cholinergic receptor nicotinic alpha 2 subunit; minus strand). Cytogenetic location: 8p21.2.
Variant type: single nucleotide variant.
Coding change: c.883G>A on transcript NM_000742.4 (MANE Select); coding-DNA position 883, G replaced by A.
Protein change: p.Glu295Lys; replaces glutamic acid 295 with lysine.
Molecular consequence: missense variant.
Genome position (GRCh38, 1-based): chr8:27,463,560, C>T on the plus strand (G>A on the coding strand, the complement: CHRNA2 is on the minus strand). VCF-style: chr8-27463560-C-T. GRCh37 (hg19) VCF-style: chr8-27321077-C-T.
Other names: c.838G>A, p.Glu280Lys (NM_001282455.2); c.406G>A, p.Glu136Lys (NM_001347705.2, NM_001347706.2); c.289G>A, p.Glu97Lys (NM_001347707.2, NM_001347708.2); short protein forms E280K, E97K, E295K, E136K.
Identifiers: ClinVar variation 840293 (VCV000840293.9), dbSNP rs139727115, ClinGen allele CA4689582.